The following is an entry in ClinVar:

ClinVar aggregate classification (germline): Uncertain significance. Review status: criteria provided, multiple submitters, no conflicts (2 of 4 stars). 3 submissions from 3 submitters: Uncertain significance (3). Last evaluated 2025-07-20.

Conditions:
Hereditary cancer-predisposing syndrome. Also called: Tumor predisposition; Hereditary Cancer Syndrome; Neoplastic Syndromes, Hereditary; Hereditary neoplastic syndrome. Identifiers: Orphanet 140162, MedGen C0027672, MeSH D009386, MONDO:0015356.
Familial cancer of breast. Also called: hereditary breast carcinoma; BREAST CANCER, FAMILIAL; Hereditary breast cancer. Identifiers: Orphanet 227535, MedGen C0346153, MONDO:0016419, OMIM 114480. Disease mechanism: loss of function.

Allele frequency attached by ClinVar (database versions not stated): gnomAD exomes below 0.00001.
gnomAD v4.1: 1 of 1,614,170 alleles (0.000062%); highest among the groups gnomAD compares: Non-Finnish European, 0.000085%; no homozygotes.

Submissions (3):

Ambry Genetics
Classification: Uncertain significance for Hereditary cancer-predisposing syndrome. Last evaluated: 2025-07-20. Review status: criteria provided, single submitter. Criteria: Ambry Variant Classification Scheme 2023. Collection method: clinical testing. Allele origin: germline.
Comment: The p.D986V variant (also known as c.2957A>T), located in coding exon 9 of the PALB2 gene, results from an A to T substitution at nucleotide position 2957. The aspartic acid at codon 986 is replaced by valine, an amino acid with highly dissimilar properties. This amino acid position is conserved. In addition, the in silico prediction for this alteration is inconclusive. Based on the available evidence, the clinical significance of this variant remains unclear.

Labcorp Genetics (formerly Invitae), Labcorp
Classification: Uncertain significance for Familial cancer of breast. Last evaluated: 2024-05-06. Review status: criteria provided, single submitter. Criteria: Invitae Variant Classification Sherloc (09022015). Collection method: clinical testing. Allele origin: germline.
Comment: This sequence change replaces aspartic acid, which is acidic and polar, with valine, which is neutral and non-polar, at codon 986 of the PALB2 protein (p.Asp986Val). This variant is not present in population databases (gnomAD no frequency). This variant has not been reported in the literature in individuals affected with PALB2-related conditions. ClinVar contains an entry for this variant (Variation ID: 2419557). Advanced modeling of protein sequence and biophysical properties (such as structural, functional, and spatial information, amino acid conservation, physicochemical variation, residue mobility, and thermodynamic stability) performed at Invitae indicates that this missense variant is expected to disrupt PALB2 protein function with a positive predictive value of 80%. In summary, the available evidence is currently insufficient to determine the role of this variant in disease. Therefore, it has been classified as a Variant of Uncertain Significance.

Baylor Genetics
Classification: Uncertain significance for Familial cancer of breast. Last evaluated: 2023-06-22. Review status: criteria provided, single submitter. Criteria: ACMG Guidelines, 2015. Collection method: clinical testing. Allele origin: unknown.

NM_024675.4(PALB2):c.2957A>T (p.Asp986Val)

Gene: PALB2 (partner and localizer of BRCA2; minus strand). Cytogenetic location: 16p12.2.
Variant type: single nucleotide variant.
Coding change: c.2957A>T on transcript NM_024675.4 (MANE Select); coding-DNA position 2957, A replaced by T.
Protein change: p.Asp986Val; replaces aspartic acid 986 with valine.
Molecular consequence: missense variant.
Genome position (GRCh38, 1-based): chr16:23,623,008, T>A on the plus strand (A>T on the coding strand, the complement: PALB2 is on the minus strand). VCF-style: chr16-23623008-T-A. GRCh37 (hg19) VCF-style: chr16-23634329-T-A.
Other names: c.2897A>T, p.Asp966Val (NM_001407296.1); c.2885A>T, p.Asp962Val (NM_001407297.1); c.2795A>T, p.Asp932Val (NM_001407298.1, NM_001407302.1); c.2957A>T, p.Asp986Val (NM_001407299.1, NM_001407301.1); c.2072A>T, p.Asp691Val (NM_001407304.1, NM_001407305.1, NM_001407306.1 and 4 more transcripts); c.1910A>T, p.Asp637Val (NM_001407307.1); c.1169A>T, p.Asp390Val (NM_001407312.1, NM_001407313.1); c.491A>T, p.Asp164Val (NM_001407314.1); short protein forms D164V, D390V, D637V, D691V, D932V, D962V, D966V, D986V.
Identifiers: ClinVar variation 2419557 (VCV002419557.7), dbSNP rs2142335218, ClinGen allele CA395144016.